The following is an entry in ClinVar:

NM_015272.5(RPGRIP1L):c.2774G>T (p.Gly925Val)

Gene: RPGRIP1L (RPGRIP1 like; minus strand). Cytogenetic location: 16q12.2.
Variant type: single nucleotide variant.
Coding change: c.2774G>T on transcript NM_015272.5 (MANE Select); coding-DNA position 2774, G replaced by T.
Protein change: p.Gly925Val; replaces glycine 925 with valine.
Molecular consequence: missense variant.
Genome position (GRCh38, 1-based): chr16:53,641,385, C>A on the plus strand (G>T on the coding strand, the complement: RPGRIP1L is on the minus strand). VCF-style: chr16-53641385-C-A. GRCh37 (hg19) VCF-style: chr16-53675297-C-A.
Other names: c.2774G>T, p.Gly925Val (NM_001127897.4, NM_001308334.3, NM_001330538.2); short protein forms G925V.
Identifiers: ClinVar variation 3757822 (VCV003757822.2).

ClinVar aggregate classification (germline): Uncertain significance (1 of 4 stars; one submission).

Conditions:
Joubert syndrome. Also called: CEREBELLOPARENCHYMAL DISORDER IV; JOUBERT-BOLTSHAUSER SYNDROME; Familial aplasia of the vermis. Identifiers: Orphanet 475, MedGen C5979921, MONDO:0018772.
Meckel-Gruber syndrome. Also called: DYSENCEPHALIA SPLANCHNOCYSTICA; GRUBER SYNDROME; Dysencephalia splachnocystica. Identifiers: Orphanet 564, MedGen C0265215, MONDO:0018921.

Submission:

Labcorp Genetics (formerly Invitae), Labcorp
Classification: Uncertain significance for Joubert syndrome; Meckel-Gruber syndrome. Last evaluated: 2024-08-27. Review status: criteria provided, single submitter. Criteria: Invitae Variant Classification Sherloc (09022015). Collection method: clinical testing. Allele origin: germline.
Comment: This sequence change replaces glycine, which is neutral and non-polar, with valine, which is neutral and non-polar, at codon 925 of the RPGRIP1L protein (p.Gly925Val). This variant is not present in population databases (gnomAD no frequency). This variant has not been reported in the literature in individuals affected with RPGRIP1L-related conditions. Invitae Evidence Modeling of protein sequence and biophysical properties (such as structural, functional, and spatial information, amino acid conservation, physicochemical variation, residue mobility, and thermodynamic stability) indicates that this missense variant is not expected to disrupt RPGRIP1L protein function with a negative predictive value of 80%. In summary, the available evidence is currently insufficient to determine the role of this variant in disease. Therefore, it has been classified as a Variant of Uncertain Significance.